The following is an entry in ClinVar:

NM_201384.3(PLEC):c.1727G>A (p.Arg576Gln)

Gene: PLEC (plectin; minus strand). Cytogenetic location: 8q24.3.
Variant type: single nucleotide variant.
Coding change: c.1727G>A on transcript NM_201384.3 (MANE Select); coding-DNA position 1727, G replaced by A.
Protein change: p.Arg576Gln; replaces arginine 576 with glutamine.
Molecular consequence: missense variant.
Genome position (GRCh38, 1-based): chr8:143,932,803, C>T on the plus strand (G>A on the coding strand, the complement: PLEC is on the minus strand). VCF-style: chr8-143932803-C-T. GRCh37 (hg19) VCF-style: chr8-145006971-C-T.
Other names: c.1808G>A (NM_000445.3); c.1808G>A, p.Arg603Gln (NM_000445.5); c.1685G>A, p.Arg562Gln (NM_201378.4); c.1661G>A, p.Arg554Gln (NM_201379.3); c.2138G>A, p.Arg713Gln (NM_201380.4); c.1631G>A, p.Arg544Gln (NM_201381.3); c.1727G>A, p.Arg576Gln (NM_201382.4); c.1739G>A, p.Arg580Gln (NM_201383.3); short protein forms R554Q, R562Q, R603Q, R544Q, R576Q, R713Q, R580Q.
Identifiers: ClinVar variation 578938 (VCV000578938.12), dbSNP rs199826059, ClinGen allele CA4927891.

ClinVar aggregate classification (germline): Uncertain significance. Review status: criteria provided, multiple submitters, no conflicts (2 of 4 stars). 4 submissions from 4 submitters: Uncertain significance (4). Last evaluated 2026-07-30.

Conditions:
PLEC-related disorder. Also called: PLEC-related disorders; PLEC-related condition.
Epidermolysis bullosa simplex 5C, with pyloric atresia (EBS5C). Also called: PLEC-Related Epidermolysis Bullosa with Pyloric Atresia; PLEC1-Related Epidermolysis Bullosa with Pyloric Atresia; Epidermolysis bullosa simplex with pyloric atresia. Identifiers: Orphanet 158684, MedGen C2677349, MONDO:0012807, OMIM 612138.
Epidermolysis bullosa simplex, Ogna type (EBS5A). Also called: Pidermolysis bullosa simplex 5A, Ogna type; EPIDERMOLYSIS BULLOSA SIMPLEX 5A, OGNA TYPE. Identifiers: Orphanet 79401, MedGen C0432317, MONDO:0007555, OMIM 131950.
Epidermolysis bullosa simplex 5B, with muscular dystrophy (EBS5B). Also called: Epidermolysis bullosa simplex with muscular dystrophy; EPIDERMOLYSIS BULLOSA SIMPLEX AND LIMB-GIRDLE MUSCULAR DYSTROPHY. Identifiers: Orphanet 257, MedGen C2931072, MONDO:0009181, OMIM 226670.
Epidermolysis bullosa simplex with nail dystrophy (EBS5D). Identifiers: MedGen C4225309, MONDO:0014661, OMIM 616487.
Autosomal recessive limb-girdle muscular dystrophy type 2Q (LGMDR17). Also called: MUSCULAR DYSTROPHY, LIMB-GIRDLE, AUTOSOMAL RECESSIVE 17. Identifiers: Orphanet 254361, MedGen C3150989, MONDO:0013390, OMIM 613723.
Inborn genetic diseases. Identifiers: MedGen C0950123, MeSH D030342.

Allele frequency attached by ClinVar (database versions not stated): gnomAD exomes 0.00005 and 0.00011; gnomAD 0.00007 and 0.00009; ESP Exome Variant Server 0.00008; ExAC 0.00010; TOPMed 0.00011; 1000 Genomes Project 30x 0.00047; 1000 Genomes Project 0.00060.
gnomAD v4.1: 86 of 1,612,274 alleles (0.0053%); highest among the groups gnomAD compares: Admixed American, 0.063%; no homozygotes.

Submissions (4):

PreventionGenetics, part of Exact Sciences
Classification: Uncertain significance for PLEC-related condition. Last evaluated: 2026-07-30. Review status: criteria provided, single submitter. Criteria: ACMG Guidelines, 2015. Collection method: clinical testing. Allele origin: germline.
Comment: The PLEC c.1808G>A variant is predicted to result in the amino acid substitution p.Arg603Gln. To our knowledge, this variant has not been reported in the literature. This variant is reported in 0.068% of alleles in individuals of Latino descent in gnomAD. Although we suspect that this variant may be benign, at this time, the clinical significance of this variant is uncertain due to the absence of conclusive functional and genetic evidence.

Ambry Genetics
Classification: Uncertain significance for Inborn genetic diseases. Last evaluated: 2025-09-22. Review status: criteria provided, single submitter. Criteria: Ambry Variant Classification Scheme 2023. Collection method: clinical testing. Allele origin: germline.

Labcorp Genetics (formerly Invitae), Labcorp
Classification: Uncertain significance for Autosomal recessive limb-girdle muscular dystrophy type 2Q; Epidermolysis bullosa simplex, Ogna type; Epidermolysis bullosa simplex with nail dystrophy; Epidermolysis bullosa simplex 5C, with pyloric atresia; Epidermolysis bullosa simplex 5B, with muscular dystrophy. Last evaluated: 2025-09-22. Review status: criteria provided, single submitter. Criteria: Invitae Variant Classification Sherloc (09022015). Collection method: clinical testing. Allele origin: germline.
Comment: This sequence change replaces arginine, which is basic and polar, with glutamine, which is neutral and polar, at codon 603 of the PLEC protein (p.Arg603Gln). This variant is present in population databases (rs199826059, gnomAD 0.07%). This variant has not been reported in the literature in individuals affected with PLEC-related conditions. ClinVar contains an entry for this variant (Variation ID: 578938). Invitae Evidence Modeling of protein sequence and biophysical properties (such as structural, functional, and spatial information, amino acid conservation, physicochemical variation, residue mobility, and thermodynamic stability) indicates that this missense variant is not expected to disrupt PLEC protein function with a negative predictive value of 80%. In summary, the available evidence is currently insufficient to determine the role of this variant in disease. Therefore, it has been classified as a Variant of Uncertain Significance.

Revvity Omics, Revvity
Classification: Uncertain significance. Last evaluated: 2021-12-08. Review status: criteria provided, single submitter. Criteria: ACMG Guidelines, 2015. Collection method: clinical testing. Allele origin: germline.